The following is an entry in ClinVar:

ClinVar aggregate classification (germline): Likely pathogenic (1 of 4 stars; one submission).

Conditions:
Mucopolysaccharidosis, MPS-II (MPS2). Also called: Hunter Syndrome; IDURONATE 2-SULFATASE DEFICIENCY; Mucopolysaccharidosis Type II; Mucopolysaccharidosis type 2; Attenuated MPS (subtype; formerly known as mild MPS II); Severe MPS II. Identifiers: Orphanet 580, Orphanet 79388, MedGen C0026705, MONDO:0010674, OMIM 309900.

Submission:

Laboratory of Diagnosis and Therapy of Lysosomal Disorders, University of Padova
Classification: Likely pathogenic for Mucopolysaccharidosis, MPS-II. Last evaluated: 2024-06-07. Review status: criteria provided, single submitter. Criteria: ACMG Guidelines, 2015. Collection method: literature only. Allele origin: germline. Affected: yes. Observed: 1 variant allele.
Comment: Null variant (PVS1_Strong), Absent from controls (or at low frequency) in gnomAD database (PM2_Moderate), Patient’s phenotype or family history highly specific for the disease (PP4_Moderate)

Classification method: ACMG Guidelines [PMID:25741868] with modifications

Literature cited by the submitters: PubMed 27883178.

NM_000202.8(IDS):c.1409_1410del (p.Pro469_Ser470insTer)

Gene: IDS (iduronate 2-sulfatase; minus strand). Cytogenetic location: Xq28.
Variant type: Deletion.
Coding change: c.1409_1410del on transcript NM_000202.8 (MANE Select); coding-DNA positions 1409 to 1410, 2 bases deleted (CA; older notation c.1409_1410delCA).
Protein change: p.Pro469_Ser470insTer.
Molecular consequence: nonsense.
Genome position (GRCh38, 1-based): chrX:149,482,989-149,482,990, TG deleted on the plus strand (CA on the coding strand, the reverse complement: IDS is on the minus strand). VCF-style (leftmost placement, unchanged base first): chrX-149482988-CTG-C. GRCh37 (hg19) VCF-style: chrX-148564519-CTG-C.
Other names: c.1139_1140del, p.Pro379_Ser380insTer (NM_001166550.4).
Identifiers: ClinVar variation 3256049 (VCV003256049.2).